The following is an entry in ClinVar:

NM_002471.4(MYH6):c.1374_1375insT (p.Gly459fs)

Gene: MYH6 (myosin heavy chain 6; minus strand). Cytogenetic location: 14q11.2.
Variant type: Insertion.
Coding change: c.1374_1375insT on transcript NM_002471.4 (MANE Select); coding-DNA positions 1374 to 1375, T inserted.
Protein change: p.Gly459fs; shifts the reading frame from glycine 459.
Molecular consequence: frameshift variant.
Genome position: GRCh38 VCF-style: chr14-23400744-C-CA. GRCh37 (hg19) VCF-style: chr14-23869953-C-CA.
Other names: short protein forms G459fs.
Identifiers: ClinVar variation 836340 (VCV000836340.3), dbSNP rs1891574474, ClinGen allele CA916081701.

ClinVar aggregate classification (germline): Uncertain significance (1 of 4 stars; one submission).

Conditions:
Hypertrophic cardiomyopathy 14. Identifiers: MedGen C2750467, MONDO:0013197, OMIM 613251.

Submission:

Labcorp Genetics (formerly Invitae), Labcorp
Classification: Uncertain significance for Hypertrophic cardiomyopathy 14. Last evaluated: 2019-02-13. Review status: criteria provided, single submitter. Criteria: Invitae Variant Classification Sherloc (09022015). Collection method: clinical testing. Allele origin: germline.
Comment: This sequence change creates a premature translational stop signal (p.Gly459Trpfs*17) in the MYH6 gene. It is expected to result in an absent or disrupted protein product. This variant is not present in population databases (ExAC no frequency). This variant has not been reported in the literature in individuals with MYH6-related conditions. The current clinical and genetic evidence is not sufficient to establish whether loss-of-function variants in MYH6 cause disease. In summary, the available evidence is currently insufficient to determine the role of this variant in disease. Therefore, it has been classified as a Variant of Uncertain Significance.